The following is an entry in ClinVar:

ClinVar aggregate classification (germline): Likely benign (1 of 4 stars; one submission).

Submission:

CeGaT Center for Human Genetics Tuebingen
Classification: Likely benign. Last evaluated: 2026-07-01. Review status: criteria provided, single submitter. Criteria: CeGaT Center For Human Genetics Tuebingen Variant Classification Criteria Version 2. Collection method: clinical testing. Allele origin: germline. Affected: yes. Observed: 1 variant allele.
Comment: FGFR2: PM2:Supporting, BP4, BP7

NM_000141.5(FGFR2):c.1704T>G (p.Ser568=)

Gene: FGFR2 (fibroblast growth factor receptor 2; minus strand). Cytogenetic location: 10q26.13.
Variant type: single nucleotide variant.
Coding change: c.1704T>G on transcript NM_000141.5 (MANE Select); coding-DNA position 1704, T replaced by G.
Protein change: p.Ser568=; no amino-acid change (serine 568 retained).
Molecular consequence: synonymous variant. On other transcripts: non-coding transcript variant (1).
Genome position (GRCh38, 1-based): chr10:121,496,691, A>C on the plus strand (T>G on the coding strand, the complement: FGFR2 is on the minus strand). VCF-style: chr10-121496691-A-C. GRCh37 (hg19) VCF-style: chr10-123256205-A-C.
Other names: c.1707T>G, p.Ser569= (NM_001144913.1, NM_022970.4); c.1368T>G, p.Ser456= (NM_001144914.1); c.1437T>G, p.Ser479= (NM_001144915.2, NM_023029.3); c.1359T>G, p.Ser453= (NM_001144916.2, NM_001441090.1); c.1356T>G, p.Ser452= (NM_001144917.2); c.1353T>G, p.Ser451= (NM_001144918.2, NM_001441091.1); c.1440T>G, p.Ser480= (NM_001144919.2); c.1020T>G, p.Ser340= (NM_001320654.2); and 4 more.
Identifiers: ClinVar variation 5039844 (VCV005039844.1).
Genomic context (GRCh38, chr10:121,496,691, plus strand): 5'-ATAGGAGTACTCCATCCCGGGTGGCCTCCGGGCTCGGAGGTATTCTCGGAGGTTGCCTTT[A>C]GAGGCATACTCAACTATGACATAGAGAGGCCCTGTTGAGGAAGAAGAGAAGCTCCCTAAA-3'
Protein context (NP_000132.3, residues 558-578): GPLYVIVEYA[Ser568=]KGNLREYLRA